The following is an entry in ClinVar:

NM_006617.2(NES):c.4608T>C (p.Asn1536=)

Gene: NES (nestin; minus strand). Cytogenetic location: 1q23.1.
Variant type: single nucleotide variant.
Coding change: c.4608T>C on transcript NM_006617.2 (MANE Select); coding-DNA position 4608, T replaced by C.
Protein change: p.Asn1536=; no amino-acid change (asparagine 1536 retained).
Molecular consequence: synonymous variant.
Genome position (GRCh38, 1-based): chr1:156,669,580, A>G on the plus strand (T>C on the coding strand, the complement: NES is on the minus strand). VCF-style: chr1-156669580-A-G. GRCh37 (hg19) VCF-style: chr1-156639372-A-G.
Identifiers: ClinVar variation 2639461 (VCV002639461.24), dbSNP rs533722791, ClinGen allele CA1164559.
Genomic context (GRCh38, chr1:156,669,580, plus strand): 5'-CCCGTTCATCACTCCCCCATTCACATGCTGTGACTTCCCCTCCAAGTTGGGACCCTGGCC[A>G]TTAACACCAATGATGTCTGCCCCTGGGCCTGCATCCTCCATCCCACTGGGGATCTCTAGA-3'
Protein context (NP_006608.1, residues 1526-1546): AGPGADIIGV[Asn1536=]GQGPNLEGKS

ClinVar aggregate classification (germline): Likely benign (1 of 4 stars; one submission).

Allele frequency attached by ClinVar (database versions not stated): TOPMed 0.00002; gnomAD 0.00007; gnomAD exomes 0.00014; 1000 Genomes Project 30x 0.00031; ExAC 0.00032; 1000 Genomes Project 0.00040.
gnomAD v4.1: 210 of 1,613,962 alleles (0.013%); highest among the groups gnomAD compares: South Asian, 0.2%; 1 homozygote.

Submission:

CeGaT Center for Human Genetics Tuebingen
Classification: Likely benign. Last evaluated: 2023-03-01. Review status: criteria provided, single submitter. Criteria: CeGaT Center For Human Genetics Tuebingen Variant Classification Criteria Version 2. Collection method: clinical testing. Allele origin: germline. Affected: yes. Observed: 1 variant allele.
Comment: NES: BP4, BP7